The following is an entry in ClinVar:

ClinVar aggregate classification (germline): Uncertain significance. Review status: criteria provided, multiple submitters, no conflicts (2 of 4 stars). 2 submissions from 2 submitters: Uncertain significance (2). Last evaluated 2025-02-21.

Conditions:
Hereditary cancer-predisposing syndrome. Also called: Neoplastic Syndromes, Hereditary; Tumor predisposition; Hereditary neoplastic syndrome; Hereditary Cancer Syndrome. Identifiers: Orphanet 140162, MedGen C0027672, MeSH D009386, MONDO:0015356.

Submissions (2):

Ambry Genetics
Classification: Uncertain significance for Hereditary cancer-predisposing syndrome. Last evaluated: 2025-02-21. Review status: criteria provided, single submitter. Criteria: Ambry Variant Classification Scheme 2023. Collection method: clinical testing. Allele origin: germline.
Comment: The p.C1726S variant (also known as c.5177G>C), located in coding exon 39 of the POLE gene, results from a G to C substitution at nucleotide position 5177. The cysteine at codon 1726 is replaced by serine, an amino acid with dissimilar properties. This amino acid position is conserved. In addition, the in silico prediction for this alteration is inconclusive. Based on the available evidence, the clinical significance of this variant remains unclear.

Labcorp Genetics (formerly Invitae), Labcorp
Classification: Uncertain significance. Last evaluated: 2024-03-14. Review status: criteria provided, single submitter. Criteria: Invitae Variant Classification Sherloc (09022015). Collection method: clinical testing. Allele origin: germline.
Comment: This sequence change replaces cysteine, which is neutral and slightly polar, with serine, which is neutral and polar, at codon 1726 of the POLE protein (p.Cys1726Ser). This variant is not present in population databases (gnomAD no frequency). This variant has not been reported in the literature in individuals affected with POLE-related conditions. Advanced modeling of protein sequence and biophysical properties (such as structural, functional, and spatial information, amino acid conservation, physicochemical variation, residue mobility, and thermodynamic stability) performed at Invitae indicates that this missense variant is not expected to disrupt POLE protein function with a negative predictive value of 80%. In summary, the available evidence is currently insufficient to determine the role of this variant in disease. Therefore, it has been classified as a Variant of Uncertain Significance.

NM_006231.4(POLE):c.5177G>C (p.Cys1726Ser)

Gene: POLE (DNA polymerase epsilon, catalytic subunit; minus strand). Cytogenetic location: 12q24.33.
Variant type: single nucleotide variant.
Coding change: c.5177G>C on transcript NM_006231.4 (MANE Select); coding-DNA position 5177, G replaced by C.
Protein change: p.Cys1726Ser; replaces cysteine 1726 with serine.
Molecular consequence: missense variant.
Genome position (GRCh38, 1-based): chr12:132,641,848, C>G on the plus strand (G>C on the coding strand, the complement: POLE is on the minus strand). VCF-style: chr12-132641848-C-G. GRCh37 (hg19) VCF-style: chr12-133218434-C-G.
Other names: c.5177G>C (NM_006231.2); short protein forms C1726S.
Identifiers: ClinVar variation 2718619 (VCV002718619.4), dbSNP rs2541881827, ClinGen allele CA387376535.